The following is an entry in ClinVar:

NM_014003.4(DHX38):c.971G>A (p.Arg324Gln)

Gene: DHX38 (DEAH-box helicase 38; plus strand). Cytogenetic location: 16q22.2.
Variant type: single nucleotide variant.
Coding change: c.971G>A on transcript NM_014003.4 (MANE Select); coding-DNA position 971, G replaced by A.
Protein change: p.Arg324Gln; replaces arginine 324 with glutamine.
Molecular consequence: missense variant.
Genome position (GRCh38, 1-based): chr16:72,099,742, G>A. VCF-style: chr16-72099742-G-A. GRCh37 (hg19) VCF-style: chr16-72133641-G-A.
Other names: short protein forms R324Q.
Identifiers: ClinVar variation 592160 (VCV000592160.5), dbSNP rs766053952, ClinGen allele CA283678379.

ClinVar aggregate classification (germline): Likely pathogenic. Review status: criteria provided, single submitter (1 of 4 stars). 3 submissions from 3 submitters: Likely pathogenic (1). 2 of the submissions do not count toward it. Last evaluated 2019-01-10.

Conditions:
Retinitis pigmentosa 84 (RP84). Identifiers: MedGen C4748725, MONDO:0032604, OMIM 618220.
Autosomal recessive retinitis pigmentosa. Identifiers: MedGen C0339526.

Allele frequency attached by ClinVar (database versions not stated): gnomAD exomes below 0.00001; TOPMed 0.00001.
gnomAD v4.1: 2 of 1,614,098 alleles (0.00012%); highest among the groups gnomAD compares: Admixed American, 0.0017%; no homozygotes.

Submissions (3):

SIB Swiss Institute of Bioinformatics
Classification: Likely pathogenic for Retinitis pigmentosa 84. Last evaluated: 2019-01-10. Review status: criteria provided, single submitter. Criteria: ACMG Guidelines, 2015. Collection method: curation. Allele origin: unknown.
Comment: This variant is interpreted as a Likely pathogenic for Retinitis pigmentosa 84, autosomal recessive. The following ACMG Tag(s) were applied: PM2 => Absent from controls (or at extremely low frequency if recessive) in Exome Sequencing Project, 1000 Genomes Project, or Exome Aggregation Consortium. PP1-Strong => PP1 upgraded in strength to Strong. PP3 => Multiple lines of computational evidence support a deleterious effect on the gene or gene product.

ClinGen:CA283678379

OMIM
Classification: Pathogenic for RETINITIS PIGMENTOSA 84. Last evaluated: 2021-04-27. Review status: no assertion criteria provided. Collection method: literature only. Allele origin: germline. Not counted in ClinVar's aggregate classification.

University of Washington Center for Mendelian Genomics, University of Washington
Classification: Likely pathogenic for Autosomal recessive retinitis pigmentosa. Review status: no assertion criteria provided. Collection method: research. Allele origin: inherited. Affected: yes. Not counted in ClinVar's aggregate classification.

Literature cited by the submitters: PubMed 30208423 (cited by 3 submitters).